The following is an entry in ClinVar:

NM_002241.5(KCNJ10):c.80G>A (p.Arg27Gln)

Gene: KCNJ10 (potassium inwardly rectifying channel subfamily J member 10; minus strand). Cytogenetic location: 1q23.2.
Variant type: single nucleotide variant.
Coding change: c.80G>A on transcript NM_002241.5 (MANE Select); coding-DNA position 80, G replaced by A.
Protein change: p.Arg27Gln; replaces arginine 27 with glutamine.
Molecular consequence: missense variant.
Genome position (GRCh38, 1-based): chr1:160,042,453, C>T on the plus strand (G>A on the coding strand, the complement: KCNJ10 is on the minus strand). VCF-style: chr1-160042453-C-T. GRCh37 (hg19) VCF-style: chr1-160012243-C-T.
Other names: c.80G>A (NM_002241.4); short protein forms R27Q.
Identifiers: ClinVar variation 1007143 (VCV001007143.10), dbSNP rs776766074, ClinGen allele CA1193299.

ClinVar aggregate classification (germline): Uncertain significance. Review status: criteria provided, multiple submitters, no conflicts (2 of 4 stars). 4 submissions from 4 submitters: Uncertain significance (4). Last evaluated 2025-12-13.

Conditions:
EAST syndrome (SESAMES). Also called: SEIZURES, SENSORINEURAL DEAFNESS, ATAXIA, IMPAIRED INTELLECTUAL DEVELOPMENT, AND ELECTROLYTE IMBALANCE. Identifiers: Orphanet 199343, MedGen C2748572, MONDO:0013005, OMIM 612780.
Inborn genetic diseases. Identifiers: MedGen C0950123, MeSH D030342.
Autosomal recessive nonsyndromic hearing loss 4 (DFNB4). Also called: FOXI1-Related Pendred Syndrome; KCNJ10-Related Pendred Syndrome; DEAFNESS, AUTOSOMAL RECESSIVE 4, WITH ENLARGED VESTIBULAR AQUEDUCT, DIGENIC; Nonsyndromic enlarged vestibular aqueduct (NSEVA); Deafness, autosomal recessive 4, with enlarged vestibular aqueduct; Deafness, autosomal recessive 4. Identifiers: Orphanet 90636, MedGen C3538946, MONDO:0010933, OMIM 600791.

Allele frequency attached by ClinVar (database versions not stated): ExAC 0.00002; gnomAD exomes 0.00002 and 0.00007; TOPMed 0.00002; gnomAD 0.00003 and 0.00004.

Submissions (4):

Labcorp Genetics (formerly Invitae), Labcorp
Classification: Uncertain significance for EAST syndrome. Last evaluated: 2025-12-13. Review status: criteria provided, single submitter. Criteria: Invitae Variant Classification Sherloc (09022015). Collection method: clinical testing. Allele origin: germline.
Comment: This sequence change replaces arginine, which is basic and polar, with glutamine, which is neutral and polar, at codon 27 of the KCNJ10 protein (p.Arg27Gln). This variant is present in population databases (rs776766074, gnomAD 0.006%). This variant has not been reported in the literature in individuals affected with KCNJ10-related conditions. ClinVar contains an entry for this variant (Variation ID: 1007143). Invitae Evidence Modeling of protein sequence and biophysical properties (such as structural, functional, and spatial information, amino acid conservation, physicochemical variation, residue mobility, and thermodynamic stability) indicates that this missense variant is not expected to disrupt KCNJ10 protein function with a negative predictive value of 95%. In summary, the available evidence is currently insufficient to determine the role of this variant in disease. Therefore, it has been classified as a Variant of Uncertain Significance.

Fulgent Genetics
Classification: Uncertain significance for Autosomal recessive nonsyndromic hearing loss 4; EAST syndrome. Last evaluated: 2024-02-03. Review status: criteria provided, single submitter. Criteria: ACMG Guidelines, 2015. Collection method: clinical testing. Allele origin: germline.

Ambry Genetics
Classification: Uncertain significance for Inborn genetic diseases. Last evaluated: 2022-04-25. Review status: criteria provided, single submitter. Criteria: Ambry Variant Classification Scheme 2023. Collection method: clinical testing. Allele origin: germline.

Neuberg Centre For Genomic Medicine, NCGM
Classification: Uncertain significance for EAST syndrome. Review status: criteria provided, single submitter. Criteria: ACMG Guidelines, 2015. Collection method: clinical testing. Allele origin: germline. Inheritance: Autosomal recessive inheritance. Affected: yes.
Comment: The observed missense variant c.80G>A(p.Arg27Gln) in the KCNJ10 gene has not been reported previously as a pathogenic variant nor as a benign variant, to our knowledge. This variant is reported with the allele frequency 0.002% in the gnomAD Exomes. This variant has been reported to the ClinVar database as Uncertain Significance. However, no details are available for independent assessment. The amino acid Arg at position 27 is changed to a Gln changing protein sequence and it might alter its composition and physico- chemical properties. Multiple lines of computational evidence (Polyphen - Probably damaging, SIFT - Damaging and MutationTaster - Disease causing) predict a damaging effect on protein structure and function for this variant. The residue is conserved by GERP++ and PhyloP across 100 vertebrates. For these reasons, this variant has been classified as Uncertain Significance.